The following is an entry in ClinVar:

NM_001365951.3(KIF1B):c.512A>G (p.His171Arg)

Gene: KIF1B (kinesin family member 1B; plus strand). Cytogenetic location: 1p36.22.
Variant type: single nucleotide variant.
Coding change: c.512A>G on transcript NM_001365951.3 (MANE Select); coding-DNA position 512, A replaced by G.
Protein change: p.His171Arg; replaces histidine 171 with arginine.
Molecular consequence: missense variant.
Genome position (GRCh38, 1-based): chr1:10,267,462, A>G. VCF-style: chr1-10267462-A-G. GRCh37 (hg19) VCF-style: chr1-10327520-A-G.
Other names: c.512A>G, p.His171Arg (NM_001365952.1, NM_001365953.1, NM_015074.3 and 1 more transcripts); short protein forms H171R.
Identifiers: ClinVar variation 2563633 (VCV002563633.2), dbSNP rs2521042210, ClinGen allele CA338329395.

ClinVar aggregate classification (germline): Uncertain significance (1 of 4 stars; one submission).

Allele frequency attached by ClinVar (database versions not stated): gnomAD exomes below 0.00001.
gnomAD v4.1: 2 of 1,614,194 alleles (0.00012%); highest among the groups gnomAD compares: Non-Finnish European, 0.00017%; no homozygotes.

Submission:

Ambry Genetics
Classification: Uncertain significance. Last evaluated: 2023-05-05. Review status: criteria provided, single submitter. Criteria: Ambry Variant Classification Scheme 2023. Collection method: clinical testing. Allele origin: germline.
Comment: The p.H171R variant (also known as c.512A>G), located in coding exon 5 of the KIF1B gene, results from an A to G substitution at nucleotide position 512. The histidine at codon 171 is replaced by arginine, an amino acid with highly similar properties. This amino acid position is conserved. In addition, this alteration is predicted to be deleterious by in silico analysis. Since supporting evidence is limited at this time, the clinical significance of this alteration remains unclear.